The following is an entry in ClinVar:

NM_002691.4(POLD1):c.2513C>T (p.Pro838Leu)

Gene: POLD1 (DNA polymerase delta 1, catalytic subunit; plus strand). Cytogenetic location: 19q13.33.
Variant type: single nucleotide variant.
Coding change: c.2513C>T on transcript NM_002691.4 (MANE Select); coding-DNA position 2513, C replaced by T.
Protein change: p.Pro838Leu; replaces proline 838 with leucine.
Molecular consequence: missense variant. On other transcripts: non-coding transcript variant (1).
Genome position (GRCh38, 1-based): chr19:50,414,939, C>T. VCF-style: chr19-50414939-C-T. GRCh37 (hg19) VCF-style: chr19-50918196-C-T.
Other names: c.2513C>T, p.Pro838Leu (NM_001256849.1); c.2591C>T, p.Pro864Leu (NM_001308632.1); c.2513C>T (NM_002691.2); short protein forms P838L, P864L.
Identifiers: ClinVar variation 537122 (VCV000537122.12), dbSNP rs1555792878, ClinGen allele CA406985163.
Genomic context (GRCh38, chr19:50,414,939, plus strand): 5'-CCGACGCCCACGACCGCATGGACTGCAAGGGCCTGGAGGCCGTGCGCAGGGACAACTGCC[C>T]CCTCGTGGCCAACCTGGTCACTGCCTCACTGCGCCGCCTGCTCATCGACCGGTGTGTGGG-3'
Protein context (NP_002682.2, residues 828-848): GLEAVRRDNC[Pro838Leu]LVANLVTASL

ClinVar aggregate classification (germline): Uncertain significance. Review status: criteria provided, multiple submitters, no conflicts (2 of 4 stars). 3 submissions from 3 submitters: Uncertain significance (3). Last evaluated 2025-05-22.

Conditions:
Hereditary cancer-predisposing syndrome. Also called: Tumor predisposition; Neoplastic Syndromes, Hereditary; Hereditary Cancer Syndrome; Hereditary neoplastic syndrome. Identifiers: Orphanet 140162, MedGen C0027672, MeSH D009386, MONDO:0015356.
POLD1-related polyposis and colorectal cancer syndrome (CRCS10). Also called: Colorectal cancer 10; COLORECTAL CANCER, SUSCEPTIBILITY TO, ON CHROMOSOME 19q; Colorectal cancer, susceptibility to, 10. Identifiers: Orphanet 220460, MedGen C2675481, MONDO:0012953, OMIM 612591.

gnomAD v4.1: 1 of 1,608,778 alleles (0.000062%); highest among the groups gnomAD compares: Non-Finnish European, 0.000085%; no homozygotes.

Submissions (3):

Ambry Genetics
Classification: Uncertain significance for Hereditary cancer-predisposing syndrome. Last evaluated: 2025-05-22. Review status: criteria provided, single submitter. Criteria: Ambry Variant Classification Scheme 2023. Collection method: clinical testing. Allele origin: germline.
Comment: The p.P838L variant (also known as c.2513C>T), located in coding exon 19 of the POLD1 gene, results from a C to T substitution at nucleotide position 2513. The proline at codon 838 is replaced by leucine, an amino acid with similar properties. This amino acid position is conserved. In addition, this alteration is predicted to be tolerated by in silico analysis. Since supporting evidence is limited at this time, the clinical significance of this alteration remains unclear.

GeneDx
Classification: Uncertain significance. Last evaluated: 2023-12-18. Review status: criteria provided, single submitter. Criteria: GeneDx Variant Classification Process June 2021. Collection method: clinical testing. Allele origin: germline. Affected: yes.
Comment: Not observed at significant frequency in large population cohorts (gnomAD); In silico analysis supports that this missense variant has a deleterious effect on protein structure/function; Has not been previously published as pathogenic or benign to our knowledge

Labcorp Genetics (formerly Invitae), Labcorp
Classification: Uncertain significance for POLD1-related polyposis and colorectal cancer syndrome. Last evaluated: 2023-12-16. Review status: criteria provided, single submitter. Criteria: Invitae Variant Classification Sherloc (09022015). Collection method: clinical testing. Allele origin: germline.
Comment: This sequence change replaces proline, which is neutral and non-polar, with leucine, which is neutral and non-polar, at codon 838 of the POLD1 protein (p.Pro838Leu). This variant is not present in population databases (gnomAD no frequency). This variant has not been reported in the literature in individuals affected with POLD1-related conditions. ClinVar contains an entry for this variant (Variation ID: 537122). Advanced modeling of protein sequence and biophysical properties (such as structural, functional, and spatial information, amino acid conservation, physicochemical variation, residue mobility, and thermodynamic stability) performed at Invitae indicates that this missense variant is not expected to disrupt POLD1 protein function with a negative predictive value of 80%. In summary, the available evidence is currently insufficient to determine the role of this variant in disease. Therefore, it has been classified as a Variant of Uncertain Significance.